The following is an entry in ClinVar:

NM_001854.4(COL11A1):c.1791+1G>T

Gene: COL11A1 (collagen type XI alpha 1 chain; minus strand). Cytogenetic location: 1p21.1.
Variant type: single nucleotide variant.
Coding change: c.1791+1G>T on transcript NM_001854.4 (MANE Select); the canonical splice donor site of the intron after coding-DNA position 1791, G replaced by T.
Molecular consequence: splice donor variant.
Genome position (GRCh38, 1-based): chr1:103,006,067, C>A on the plus strand (G>T on the coding strand, the complement: COL11A1 is on the minus strand). VCF-style: chr1-103006067-C-A. GRCh37 (hg19) VCF-style: chr1-103471623-C-A.
Other names: c.1674+1G>T (NM_001190709.2); c.1827+1G>T (NM_080629.3); c.1443+1G>T (NM_080630.4).
Identifiers: ClinVar variation 1498055 (VCV001498055.7), dbSNP rs2101852537, ClinGen allele CA341173745.

ClinVar aggregate classification (germline): Likely pathogenic. Review status: criteria provided, multiple submitters, no conflicts (2 of 4 stars). 2 submissions from 2 submitters: Likely pathogenic (2). Last evaluated 2025-10-01.

Submissions (2):

Labcorp Genetics (formerly Invitae), Labcorp
Classification: Likely pathogenic. Last evaluated: 2025-10-01. Review status: criteria provided, single submitter. Criteria: Invitae Variant Classification Sherloc (09022015). Collection method: clinical testing. Allele origin: germline.
Comment: This sequence change affects a donor splice site in intron 17 of the COL11A1 gene. It is expected to disrupt RNA splicing. Variants that disrupt the donor or acceptor splice site typically lead to a loss of protein function (PMID: 16199547), and loss-of-function variants in COL11A1 are known to be pathogenic (PMID: 20513134, 21035103, 23922384, 25240749, 32427345, 32756486). This variant is not present in population databases (gnomAD no frequency). This variant has not been reported in the literature in individuals affected with COL11A1-related conditions. ClinVar contains an entry for this variant (Variation ID: 1498055). Algorithms developed to predict the effect of sequence changes on RNA splicing suggest that this variant may disrupt the consensus splice site. In summary, the currently available evidence indicates that the variant is pathogenic, but additional data are needed to prove that conclusively. Therefore, this variant has been classified as Likely Pathogenic.

GeneDx
Classification: Likely pathogenic. Last evaluated: 2023-12-08. Review status: criteria provided, single submitter. Criteria: GeneDx Variant Classification Process June 2021. Collection method: clinical testing. Allele origin: germline. Affected: yes.
Comment: Has not been previously published as pathogenic or benign to our knowledge; Not observed at significant frequency in large population cohorts (gnomAD); Damages or destroys the splice donor site in intron 17, and is expected to cause abnormal gene splicing; if the splice outcome is exon skip, the loss of the encoded residues in the triple helical region is expected to disrupt normal protein folding and function (HGMD; PMID: 25240749); Deletions involving coding exons of this gene are a known mechanism of disease (HGMD); This variant is associated with the following publications: (PMID: 24077912, 25240749)

Literature cited by the submitters: PubMed 16199547 (cited by Labcorp Genetics (formerly Invitae), Labcorp); PubMed 20513134 (cited by Labcorp Genetics (formerly Invitae), Labcorp); PubMed 21035103 (cited by Labcorp Genetics (formerly Invitae), Labcorp); PubMed 23922384 (cited by Labcorp Genetics (formerly Invitae), Labcorp); PubMed 25240749 (cited by Labcorp Genetics (formerly Invitae), Labcorp); PubMed 32427345 (cited by Labcorp Genetics (formerly Invitae), Labcorp); PubMed 32756486 (cited by Labcorp Genetics (formerly Invitae), Labcorp).